The following is an entry in ClinVar:

ClinVar aggregate classification (germline): Likely pathogenic. Review status: criteria provided, multiple submitters, no conflicts (2 of 4 stars). 2 submissions from 2 submitters: Likely pathogenic (2). Last evaluated 2025-11-14.

Conditions:
Dilated cardiomyopathy 1G (CMD1G). Identifiers: Orphanet 154, MedGen C1858763, MONDO:0011400, OMIM 604145.
Autosomal recessive limb-girdle muscular dystrophy type 2J (LGMDR10). Also called: Limb-girdle muscular dystrophy, type 2J; MUSCULAR DYSTROPHY, LIMB-GIRDLE, AUTOSOMAL RECESSIVE 10. Identifiers: Orphanet 140922, MedGen C1837342, MONDO:0012127, OMIM 608807.

Submissions (2):

GeneDx
Classification: Likely pathogenic. Last evaluated: 2025-11-14. Review status: criteria provided, single submitter. Criteria: GeneDx Variant Classification Process June 2021. Collection method: clinical testing. Allele origin: germline. Affected: yes.
Comment: Frameshift variant predicted to result in protein truncation or nonsense mediated decay in a gene for which loss of function is a known mechanism of disease; Located in the A-band, a region of TTN for which truncating variants are significantly associated with autosomal dominant cardiomyopathy and also with autosomal recessive skeletal myopathies (PMID: 22335739, 32778822); Not observed at significant frequency in large population cohorts (gnomAD); Has not been previously published as pathogenic or benign to our knowledge; This variant is associated with the following publications: (PMID: 22335739, 32778822)

Labcorp Genetics (formerly Invitae), Labcorp
Classification: Likely pathogenic for Dilated cardiomyopathy 1G; Autosomal recessive limb-girdle muscular dystrophy type 2J. Last evaluated: 2025-03-15. Review status: criteria provided, single submitter. Criteria: Invitae Variant Classification Sherloc (09022015). Collection method: clinical testing. Allele origin: germline.
Comment: This sequence change creates a premature translational stop signal (p.Asn26382Lysfs*31) in the TTN gene. While this is not anticipated to result in nonsense mediated decay, it is expected to create a truncated TTN protein. This variant is not present in population databases (gnomAD no frequency). This variant has not been reported in the literature in individuals affected with TTN-related conditions. ClinVar contains an entry for this variant (Variation ID: 280205). This variant is located in the A band of TTN (PMID: 25589632). Truncating variants in this region are significantly overrepresented in patients affected with dilated cardiomyopathy (PMID: 25589632). Truncating variants in this region have also been reported in individuals affected with autosomal recessive centronuclear myopathy (PMID: 23975875). In summary, the currently available evidence indicates that the variant is pathogenic, but additional data are needed to prove that conclusively. Therefore, this variant has been classified as Likely Pathogenic.

Literature cited by the submitters: PubMed 25589632 (cited by Labcorp Genetics (formerly Invitae), Labcorp); PubMed 23975875 (cited by Labcorp Genetics (formerly Invitae), Labcorp).

NM_001267550.2(TTN):c.79145dup (p.Asn26382fs)

Genes: TTN-AS1 (TTN antisense RNA 1; plus strand), TTN (titin; minus strand). Cytogenetic location: 2q31.2.
Variant type: Duplication.
Coding change: c.79145dup on transcript NM_001267550.2 (MANE Select); coding-DNA position 79145, one base duplicated (A; older notation c.79145dupA).
Protein change: p.Asn26382fs; shifts the reading frame from asparagine 26382.
Molecular consequence: frameshift variant.
Genome position (GRCh38, 1-based): chr2:178,566,987, T duplicated on the plus strand (A on the coding strand, the reverse complement: TTN is on the minus strand); the first of 5 consecutive T bases (chr2:178,566,987-178,566,991); duplicating any one gives the same sequence. VCF-style (leftmost placement, unchanged base first): chr2-178566986-A-AT. GRCh37 (hg19) VCF-style: chr2-179431713-A-AT.
Other names: c.74222dupA (NM_001256850.1); c.74222dup, p.Asn24741fs (NM_001256850.1); c.51950dup, p.Asn17317fs (NM_003319.4); c.71441dup, p.Asn23814fs (NM_133378.4); c.52325dup, p.Asn17442fs (NM_133432.3); c.52526dup, p.Asn17509fs (NM_133437.4); c.79145dup (NM_001267550.1); short protein forms N24741fs, N17317fs, N17509fs, N26382fs, N17442fs, N23814fs.
Identifiers: ClinVar variation 280205 (VCV000280205.5), dbSNP rs886041453, ClinGen allele CA10602817.